The following is an entry in ClinVar:

ClinVar aggregate classification (germline): Uncertain significance (1 of 4 stars; one submission).

Conditions:
Early-infantile DEE. Also called: Early infantile epileptic encephalopathy with suppression bursts; Early infantile epileptic encephalopathy; Ohtahara syndrome. Identifiers: Orphanet 1934, MedGen C0393706, MONDO:0800491.

Submission:

Labcorp Genetics (formerly Invitae), Labcorp
Classification: Uncertain significance for Early-infantile DEE. Last evaluated: 2023-05-23. Review status: criteria provided, single submitter. Criteria: Invitae Variant Classification Sherloc (09022015). Collection method: clinical testing. Allele origin: germline.
Comment: This variant is not present in population databases (gnomAD no frequency). This sequence change replaces proline, which is neutral and non-polar, with histidine, which is basic and polar, at codon 151 of the SCN1A protein (p.Pro151His). This variant has not been reported in the literature in individuals affected with SCN1A-related conditions. In summary, the available evidence is currently insufficient to determine the role of this variant in disease. Therefore, it has been classified as a Variant of Uncertain Significance. Advanced modeling of protein sequence and biophysical properties (such as structural, functional, and spatial information, amino acid conservation, physicochemical variation, residue mobility, and thermodynamic stability) performed at Invitae indicates that this missense variant is expected to disrupt SCN1A protein function.

NM_001165963.4(SCN1A):c.452C>A (p.Pro151His)

Gene: SCN1A (sodium voltage-gated channel alpha subunit 1; minus strand). Cytogenetic location: 2q24.3.
Variant type: single nucleotide variant.
Coding change: c.452C>A on transcript NM_001165963.4 (MANE Select); coding-DNA position 452, C replaced by A.
Protein change: p.Pro151His; replaces proline 151 with histidine.
Molecular consequence: missense variant. On other transcripts: 5 prime UTR variant (1), non-coding transcript variant (1).
Genome position (GRCh38, 1-based): chr2:166,056,432, G>T on the plus strand (C>A on the coding strand, the complement: SCN1A is on the minus strand). VCF-style: chr2-166056432-G-T. GRCh37 (hg19) VCF-style: chr2-166912942-G-T.
Other names: c.452C>A, p.Pro151His (NM_001165964.3, NM_001202435.3, NM_001353948.2 and 10 more transcripts); c.-1974C>A (NM_001353961.2); short protein forms P151H.
Identifiers: ClinVar variation 2742755 (VCV002742755.3), dbSNP rs1699141193, ClinGen allele CA349075898.